The following is an entry in ClinVar:

ClinVar aggregate classification (germline): Pathogenic. Review status: criteria provided, multiple submitters, no conflicts (2 of 4 stars). 3 submissions from 3 submitters: Pathogenic (2). 1 of the submissions does not count toward it. Last evaluated 2023-02-13.

Conditions:
Familial adenomatous polyposis 1 (FAP1). Also called: FAMILIAL ADENOMATOUS POLYPOSIS 1, ATTENUATED; POLYPOSIS, ADENOMATOUS INTESTINAL. Identifiers: MedGen C2713442, MONDO:0021056, OMIM 175100. Disease mechanism: loss of function.

Submissions (3):

Myriad Genetics, Inc.
Classification: Pathogenic for Familial adenomatous polyposis 1. Last evaluated: 2023-02-13. Review status: criteria provided, single submitter. Criteria: Myriad Autosomal Dominant, Autosomal Recessive and X-Linked Classification Criteria (2023). Collection method: clinical testing. Allele origin: unknown.
Comment: This variant is considered pathogenic. This variant creates a frameshift predicted to result in premature protein truncation.

Labcorp Genetics (formerly Invitae), Labcorp
Classification: Pathogenic for Familial adenomatous polyposis 1. Last evaluated: 2021-03-08. Review status: criteria provided, single submitter. Criteria: Invitae Variant Classification Sherloc (09022015). Collection method: clinical testing. Allele origin: germline.
Comment: For these reasons, this variant has been classified as Pathogenic. A different truncation (p.Tyr2645Lysfs*14) that lies downstream of this variant has been determined to be pathogenic (PMID: 9824584, 1316610, 27081525, 8381579, 22135120, Invitae). This suggests that deletion of this region of the APC protein is causative of disease. This variant is expected to disrupt the EB1 and HDLG binding sites, which mediate interactions with the cytoskeleton (PMID: 15311282, 17293347). While functional studies have not been performed to directly test the effect on APC protein function, this suggests that disruption of the C-terminal portion of the protein is functionally important. This variant has not been reported in the literature in individuals with APC-related conditions. ClinVar contains an entry for this variant (Variation ID: 548889). This variant is not present in population databases (ExAC no frequency). This sequence change results in a premature translational stop signal in the APC gene (p.Asn1887Glyfs*5). While this is not anticipated to result in nonsense mediated decay, it is expected to disrupt the last 957 amino acids of the APC protein.

Counsyl
Classification: Likely pathogenic for Familial adenomatous polyposis 1. Last evaluated: 2018-04-10. Review status: no assertion criteria provided. Collection method: clinical testing. Allele origin: unknown. Not counted in ClinVar's aggregate classification.

Literature cited by the submitters: PubMed 9824584 (cited by Labcorp Genetics (formerly Invitae), Labcorp); PubMed 1316610 (cited by Labcorp Genetics (formerly Invitae), Labcorp); PubMed 27081525 (cited by Labcorp Genetics (formerly Invitae), Labcorp); PubMed 8381579 (cited by Labcorp Genetics (formerly Invitae), Labcorp); PubMed 22135120 (cited by Labcorp Genetics (formerly Invitae), Labcorp); PubMed 15311282 (cited by Labcorp Genetics (formerly Invitae), Labcorp); PubMed 17293347 (cited by Labcorp Genetics (formerly Invitae), Labcorp).

NM_000038.6(APC):c.5659_5663del (p.Asn1887fs)

Gene: APC (APC regulator of Wnt signaling pathway; plus strand). Cytogenetic location: 5q22.2.
Variant type: Deletion.
Coding change: c.5659_5663del on transcript NM_000038.6 (MANE Select); coding-DNA positions 5659 to 5663, 5 bases deleted (AATAA; older notation c.5659_5663delAATAA).
Protein change: p.Asn1887fs; shifts the reading frame from asparagine 1887.
Molecular consequence: frameshift variant.
Genome position (GRCh38, 1-based): chr5:112,841,253-112,841,257, AATAA deleted; deleting any 5 consecutive bases within chr5:112,841,251-112,841,257 gives the same sequence; the c. name uses the placement nearest the transcript's 3' end. VCF-style (leftmost placement, unchanged base first): chr5-112841250-GAAAAT-G. GRCh37 (hg19) VCF-style: chr5-112176947-GAAAAT-G.
Other names: c.5659_5663del (NM_000038.5); c.5659_5663del, p.Asn1887fs (NM_001127510.3, NM_001354895.2); c.5605_5609del, p.Asn1869fs (NM_001127511.3); c.5713_5717del, p.Asn1905fs (NM_001354896.2); c.5689_5693del, p.Asn1897fs (NM_001354897.2); c.5584_5588del, p.Asn1862fs (NM_001354898.2); c.5575_5579del, p.Asn1859fs (NM_001354899.2); c.5536_5540del, p.Asn1846fs (NM_001354900.2); and 6 more; short protein forms N1796fs, N1828fs, N1846fs, N1859fs, N1869fs, N1786fs, N1897fs, N1604fs.
Identifiers: ClinVar variation 548889 (VCV000548889.13), dbSNP rs1554086854, ClinGen allele CA658822520.